The following is an entry in ClinVar:

ClinVar aggregate classification (germline): Pathogenic/Likely pathogenic. Review status: criteria provided, multiple submitters, no conflicts (2 of 4 stars). 2 submissions from 2 submitters: Pathogenic (1); Likely pathogenic (1). Last evaluated 2024-03-19.

Conditions:
Sulfite oxidase deficiency due to molybdenum cofactor deficiency type B1 (MOCODB1). Also called: Sulfite oxidase deficiency due to molybdenum cofactor deficiency type B; Molybdenum cofactor deficiency, complementation group B; Molybdenum cofactor deficiency B; MOLYBDENUM COFACTOR DEFICIENCY, TYPE B1. Identifiers: Orphanet 308393, Orphanet 833, MedGen C6065887, MONDO:0009644, OMIM 252160.

Allele frequency attached by ClinVar (database versions not stated): gnomAD exomes below 0.00001; ExAC 0.00001.

Submissions (2):

Fulgent Genetics
Classification: Likely pathogenic for Sulfite oxidase deficiency due to molybdenum cofactor deficiency type B1. Last evaluated: 2024-03-19. Review status: criteria provided, single submitter. Criteria: ACMG Guidelines, 2015. Collection method: clinical testing. Allele origin: germline.

Labcorp Genetics (formerly Invitae), Labcorp
Classification: Pathogenic. Last evaluated: 2023-10-26. Review status: criteria provided, single submitter. Criteria: Invitae Variant Classification Sherloc (09022015). Collection method: clinical testing. Allele origin: germline.
Comment: This sequence change results in a frameshift in the MOCS2B gene (p.Thr157Asnfs*55). While this is not anticipated to result in nonsense mediated decay, it is expected to disrupt the last 32 amino acid(s) of the MOCS2B protein and extend the protein by 22 additional amino acid residues. This variant is present in population databases (rs774200289, gnomAD 0.006%). This variant has not been reported in the literature in individuals affected with MOCS2B-related conditions. This variant results in an extension of the MOCS2B protein. Other variant(s) that result in a similarly extended protein product (p.Lys180Argfs*31) have been determined to be pathogenic (PMID: 9459218, 10053004, 23436702, 33502714). This suggests that these extensions are likely to be disease-causing. For these reasons, this variant has been classified as Pathogenic.

Literature cited by the submitters: PubMed 9459218 (cited by Labcorp Genetics (formerly Invitae), Labcorp); PubMed 10053004 (cited by Labcorp Genetics (formerly Invitae), Labcorp); PubMed 23436702 (cited by Labcorp Genetics (formerly Invitae), Labcorp); PubMed 33502714 (cited by Labcorp Genetics (formerly Invitae), Labcorp).

NM_004531.5(MOCS2):c.469dup (p.Thr157fs)

Gene: MOCS2 (molybdenum cofactor synthesis 2; minus strand). Cytogenetic location: 5q11.2.
Variant type: Duplication.
Coding change: c.469dup on transcript NM_004531.5 (MANE Select); coding-DNA position 469, one base duplicated (A; older notation c.469dupA).
Protein change: p.Thr157fs; shifts the reading frame from threonine 157.
Molecular consequence: frameshift variant. On other transcripts: 3 prime UTR variant (1).
Genome position (GRCh38, 1-based): chr5:53,100,443, T duplicated on the plus strand (A on the coding strand, the reverse complement: MOCS2 is on the minus strand). VCF-style (leftmost placement, unchanged base first): chr5-53100442-G-GT. GRCh37 (hg19) VCF-style: chr5-52396272-G-GT.
Other names: c.*389dup (NM_176806.4); c.469dup, p.Thr157Asnfs (NM_183418.1); short protein forms T157fs.
Identifiers: ClinVar variation 2829748 (VCV002829748.4), dbSNP rs774200289, ClinGen allele CA3263610.